The following is an entry in ClinVar:

NM_015475.5(TSLIG3A):c.774C>T (p.Ser258=)

Gene: TSLIG3A (tRNA splicing ligase complex subunit 3A; minus strand). Cytogenetic location: 2p22.3.
Variant type: single nucleotide variant.
Coding change: c.774C>T on transcript NM_015475.5 (MANE Select); coding-DNA position 774, C replaced by T.
Protein change: p.Ser258=; no amino-acid change (serine 258 retained).
Molecular consequence: synonymous variant.
Genome position (GRCh38, 1-based): chr2:33,585,644, G>A on the plus strand (C>T on the coding strand, the complement: TSLIG3A is on the minus strand). VCF-style: chr2-33585644-G-A. GRCh37 (hg19) VCF-style: chr2-33810711-G-A.
Other names: c.189C>T, p.Ser63= (NM_001304538.2).
Identifiers: ClinVar variation 2650822 (VCV002650822.24), dbSNP rs746506713, ClinGen allele CA425480949.

ClinVar aggregate classification (germline): Likely benign (1 of 4 stars; one submission).

Allele frequency attached by ClinVar (database versions not stated): TOPMed 0.00001.
gnomAD v4.1: 81 of 1,614,036 alleles (0.005%); highest among the groups gnomAD compares: Non-Finnish European, 0.0064%; no homozygotes.

Submission:

CeGaT Center for Human Genetics Tuebingen
Classification: Likely benign. Last evaluated: 2022-11-01. Review status: criteria provided, single submitter. Criteria: CeGaT Center For Human Genetics Tuebingen Variant Classification Criteria Version 2. Collection method: clinical testing. Allele origin: germline. Affected: yes. Observed: 1 variant allele.
Comment: FAM98A: BP4, BP7